The following is an entry in ClinVar:

NC_000010.10:g.(?_225953)_(735518_?)dup

Genes: DIP2C (disco interacting protein 2 homolog C; minus strand), ZMYND11 (zinc finger MYND-type containing 11; plus strand). Cytogenetic location: 10p15.3.
Variant type: Duplication.
Identifiers: ClinVar variation 3244985 (VCV003244985.1).

ClinVar aggregate classification (germline): Uncertain significance (1 of 4 stars; one submission).

Submission:

Labcorp Genetics (formerly Invitae), Labcorp
Classification: Uncertain significance. Last evaluated: 2023-10-03. Review status: criteria provided, single submitter. Criteria: Invitae Variant Classification Sherloc (09022015). Collection method: clinical testing. Allele origin: unknown.
Comment: A copy number gain of the genomic region encompassing the full coding sequence of the ZMYND11 gene has been identified. The boundaries of this event are unknown as they extend beyond the assayed region for this gene and therefore may encompass additional genes. As the precise location of this event is unknown, it may be in tandem or it may be located elsewhere in the genome. A similar copy number variant has been observed in individual(s) with autism (PMID: 23375656). In summary, the available evidence is currently insufficient to determine the role of this variant in disease. Therefore, it has been classified as a Variant of Uncertain Significance.

Literature cited by the submitters: PubMed 23375656.